The following is an entry in ClinVar:

NM_000812.4(GABRB1):c.1264G>A (p.Gly422Arg)

Gene: GABRB1 (gamma-aminobutyric acid type A receptor subunit beta1; plus strand). Cytogenetic location: 4p12.
Variant type: single nucleotide variant.
Coding change: c.1264G>A on transcript NM_000812.4 (MANE Select); coding-DNA position 1264, G replaced by A.
Protein change: p.Gly422Arg; replaces glycine 422 with arginine.
Molecular consequence: missense variant.
Genome position (GRCh38, 1-based): chr4:47,425,857, G>A. VCF-style: chr4-47425857-G-A. GRCh37 (hg19) VCF-style: chr4-47427874-G-A.
Other names: short protein forms G422R.
Identifiers: ClinVar variation 2054252 (VCV002054252.4), dbSNP rs748097369, ClinGen allele CA2907794.

ClinVar aggregate classification (germline): Uncertain significance (1 of 4 stars; one submission).

gnomAD v4.1: 7 of 1,613,964 alleles (0.00043%); highest among the groups gnomAD compares: African/African-American, 0.0027%; no homozygotes.

Submission:

Labcorp Genetics (formerly Invitae), Labcorp
Classification: Uncertain significance. Last evaluated: 2025-10-10. Review status: criteria provided, single submitter. Criteria: Invitae Variant Classification Sherloc (09022015). Collection method: clinical testing. Allele origin: germline.
Comment: This sequence change replaces glycine, which is neutral and non-polar, with arginine, which is basic and polar, at codon 422 of the GABRB1 protein (p.Gly422Arg). This variant is present in population databases (rs748097369, gnomAD 0.007%). This variant has not been reported in the literature in individuals affected with GABRB1-related conditions. ClinVar contains an entry for this variant (Variation ID: 2054252). Invitae Evidence Modeling of protein sequence and biophysical properties (such as structural, functional, and spatial information, amino acid conservation, physicochemical variation, residue mobility, and thermodynamic stability) indicates that this missense variant is not expected to disrupt GABRB1 protein function with a negative predictive value of 80%. In summary, the available evidence is currently insufficient to determine the role of this variant in disease. Therefore, it has been classified as a Variant of Uncertain Significance.